The following is an entry in ClinVar:

NM_000384.3(APOB):c.8902C>G (p.Leu2968Val)

Gene: APOB (apolipoprotein B; minus strand). Cytogenetic location: 2p24.1.
Variant type: single nucleotide variant.
Coding change: c.8902C>G on transcript NM_000384.3 (MANE Select); coding-DNA position 8902, C replaced by G.
Protein change: p.Leu2968Val; replaces leucine 2968 with valine.
Molecular consequence: missense variant.
Genome position (GRCh38, 1-based): chr2:21,007,966, G>C on the plus strand (C>G on the coding strand, the complement: APOB is on the minus strand). VCF-style: chr2-21007966-G-C. GRCh37 (hg19) VCF-style: chr2-21230838-G-C.
Other names: short protein forms L2968V.
Identifiers: ClinVar variation 4789282 (VCV004789282.1).

ClinVar aggregate classification (germline): Uncertain significance (1 of 4 stars; one submission).

Conditions:
Familial hypobetalipoproteinemia 1. Also called: APOB-Related Familial Hypobetalipoproteinemia; Hypobetalipoproteinemia, normotriglyceridemic; Acanthocytosis with hypobetalipoproteinemia. Identifiers: MedGen C4551990, MONDO:0014252, OMIM 615558.
Hypercholesterolemia, autosomal dominant, type B (FHCL2). Also called: APOB-Related Familial Hypercholesterolemia, Autosomal Dominant; Familial hypercholesterolemia 2; Familial Hypercholesterolemia Type B; APOLIPOPROTEIN B-100, FAMILIAL DEFECTIVE; APOLIPOPROTEIN B-100, FAMILIAL LIGAND-DEFECTIVE; HYPERCHOLESTEROLEMIA, FAMILIAL, DUE TO LIGAND-DEFECTIVE APOLIPOPROTEIN B. Identifiers: MedGen C1704417, MONDO:0007751, OMIM 144010.

Submission:

Labcorp Genetics (formerly Invitae), Labcorp
Classification: Uncertain significance for Familial hypobetalipoproteinemia 1; Hypercholesterolemia, autosomal dominant, type B. Last evaluated: 2025-11-22. Review status: criteria provided, single submitter. Criteria: Invitae Variant Classification Sherloc (09022015). Collection method: clinical testing. Allele origin: germline.
Comment: This sequence change replaces leucine, which is neutral and non-polar, with valine, which is neutral and non-polar, at codon 2968 of the APOB protein (p.Leu2968Val). This variant is not present in population databases (gnomAD no frequency). This variant has not been reported in the literature in individuals affected with APOB-related conditions. Invitae Evidence Modeling of protein sequence and biophysical properties (such as structural, functional, and spatial information, amino acid conservation, physicochemical variation, residue mobility, and thermodynamic stability) indicates that this missense variant is not expected to disrupt APOB protein function with a negative predictive value of 95%. In summary, the available evidence is currently insufficient to determine the role of this variant in disease. Therefore, it has been classified as a Variant of Uncertain Significance.